The following is an entry in ClinVar:

ClinVar aggregate classification (germline): Pathogenic (1 of 4 stars; one submission).

Conditions:
Neurofibromatosis, type 1 (NF1). Also called: Peripheral type neurofibromatosis; NEUROFIBROMATOSIS, TYPE I, SOMATIC; Neurofibromatosis, type I; VON RECKLINGHAUSEN DISEASE. Identifiers: Orphanet 636, MedGen C0027831, MONDO:0018975, OMIM 162200. Disease mechanism: loss of function.

Submission:

Labcorp Genetics (formerly Invitae), Labcorp
Classification: Pathogenic for Neurofibromatosis, type 1. Last evaluated: 2022-04-13. Review status: criteria provided, single submitter. Criteria: Invitae Variant Classification Sherloc (09022015). Collection method: clinical testing. Allele origin: germline.
Comment: For these reasons, this variant has been classified as Pathogenic. This variant has not been reported in the literature in individuals affected with NF1-related conditions. This variant is not present in population databases (gnomAD no frequency). This sequence change creates a premature translational stop signal (p.Glu740Aspfs*8) in the NF1 gene. It is expected to result in an absent or disrupted protein product. Loss-of-function variants in NF1 are known to be pathogenic (PMID: 10712197, 23913538).

Literature cited by the submitters: PubMed 10712197; PubMed 23913538.

NM_001042492.3(NF1):c.2220del (p.Glu740fs)

Gene: NF1 (neurofibromin 1; plus strand). Cytogenetic location: 17q11.2.
Variant type: Deletion.
Coding change: c.2220del on transcript NM_001042492.3 (MANE Select); coding-DNA position 2220, one base deleted (G; older notation c.2220delG).
Protein change: p.Glu740fs; shifts the reading frame from glutamic acid 740.
Molecular consequence: frameshift variant.
Genome position (GRCh38, 1-based): chr17:31,226,653, G deleted. VCF-style (leftmost placement, unchanged base first): chr17-31226652-AG-A. GRCh37 (hg19) VCF-style: chr17-29553670-AG-A.
Other names: c.2220delG, p.Glu740Aspfs (NM_000267.4); short protein forms E740fs.
Identifiers: ClinVar variation 2125881 (VCV002125881.4), dbSNP rs2508158532, ClinGen allele CA2580093171.